The following is an entry in ClinVar:

ClinVar aggregate classification (germline): Uncertain significance (1 of 4 stars; one submission).

Allele frequency attached by ClinVar (database versions not stated): gnomAD exomes below 0.00001.

Submission:

CeGaT Center for Human Genetics Tuebingen
Classification: Uncertain significance. Last evaluated: 2023-06-01. Review status: criteria provided, single submitter. Criteria: CeGaT Center For Human Genetics Tuebingen Variant Classification Criteria Version 2. Collection method: clinical testing. Allele origin: germline. Affected: yes. Observed: 1 variant allele.
Comment: CAMK2A: PM2, BP4

NM_015981.4(CAMK2A):c.901-7C>T

Gene: CAMK2A (calcium/calmodulin dependent protein kinase II alpha; minus strand). Cytogenetic location: 5q32.
Variant type: single nucleotide variant.
Coding change: c.901-7C>T on transcript NM_015981.4 (MANE Select); 7 bases into the intron before coding-DNA position 901, C replaced by T.
Molecular consequence: intron variant.
Genome position (GRCh38, 1-based): chr5:150,247,821, G>A on the plus strand (C>T on the coding strand, the complement: CAMK2A is on the minus strand). VCF-style: chr5-150247821-G-A. GRCh37 (hg19) VCF-style: chr5-149627384-G-A.
Other names: c.901-7C>T (NM_001363990.1, NM_001363989.1, NM_171825.3 and 1 more transcripts).
Identifiers: ClinVar variation 2571234 (VCV002571234.27), dbSNP rs1465769997, ClinGen allele CA2580614774.